The following continues an entry in ClinVar:

NM_000492.4(CFTR):c.2856G>A (p.Met952Ile)

Gene: CFTR. ClinVar aggregate classification (germline): Conflicting classifications of pathogenicity. Pathogenic (4); Likely pathogenic (2); Uncertain significance (4); Likely benign (1).

Submissions 9 to 11 of 11:

Women's Health and Genetics/Laboratory Corporation of America, LabCorp
Classification: Pathogenic for Congenital bilateral aplasia of vas deferens from CFTR mutation. Last evaluated: 2021-02-20. Review status: criteria provided, single submitter. Criteria: LabCorp Variant Classification Summary - May 2015. Collection method: clinical testing. Allele origin: germline.
Comment: Variant summary: CFTR c.2856G>A (p.Met952Ile) results in a conservative amino acid change located in the ABC Transporter type 1, transmembrane domain of the encoded protein sequence. Another variant c.2856G>C, which causes the same missense change has been reported in the literature and databases with a majority consensus leaning towards pathogenic/likely pathogenic. Most publications do not clearly differentiate between these two at the nucleotide level of specification. Three of five in-silico tools predict a damaging effect of the variant on protein function. 4/4 computational tools predict no significant impact on normal splicing. However, these predictions have yet to be confirmed by functional studies. The variant allele was found at a frequency of 5.6e-05 in 251352 control chromosomes. This frequency is not significantly higher than expected for a pathogenic variant in CFTR causing Congenital Bilateral Absence of the Vas Deferens (5.6e-05 vs 0.013), allowing no conclusion about variant significance. c.2856G>A has been reported in the literature in individuals predominantly affected with Congenital Bilateral Absence of the Vas Deferens (example, DeMeeus_1997, Gallati_2009, Havasi_2010, Ratbi_2007, Steiner_2011, Dayangac_2004) and settings of infertility (example, Rudnik-Schoneborn_2021). It has also been reported in individuals indicated to be affected with CF with non-informative genotypes (example, Desgeorges_1997, Kammesheidt_2006, Quint_2005). Furthermore, Terlizzi_2019 reports a patient, deltaF508/M952I, who had normal sweat chloride levels but it was unclear whether the patient could harbor other CFTR-Related Diseases such as CBAVD. These data indicate that the variant is likely to be associated with disease. At-least one co-occurrence, presumably in cis with another pathogenic variant has been reported (CFTR, G542X or CFTR, Y914X, phase not specified) in a patient with classic CF phenotype (Kammesheidt_2006). To our knowledge, no experimental evidence demonstrating an impact on protein function has been reported. Two clinical diagnostic laboratories have submitted clinical-significance assessments for this variant to ClinVar after 2014 without evidence for independent evaluation. One laboratory classified the variant as pathogenic citing overlapping evidence utilized in the context of this evaluation and one laboratory classified the variant as uncertain significance. Based on the evidence outlined above, the variant was classified as pathogenic in settings of CFTR-related disorders such as CBAVD.

Eurofins Ntd Llc (ga)
Classification: Uncertain significance. Last evaluated: 2018-05-17. Review status: criteria provided, single submitter. Criteria: EGL ClinVar v180209 classification definitions. Collection method: clinical testing. Allele origin: germline. Observed: 1 variant allele, 1 heterozygote.

Arcensus
Classification: Likely pathogenic for Cystic fibrosis. Last evaluated: 2013-02-01. Review status: criteria provided, single submitter. Criteria: ACMG Guidelines, 2015. Collection method: clinical testing. Allele origin: germline. Affected: yes.

Literature cited by the submitters: PubMed 10200050 (cited by 3 submitters); PubMed 15070876 (cited by Labcorp Genetics (formerly Invitae), Labcorp and Women's Health and Genetics/Laboratory Corporation of America, LabCorp); PubMed 15287992 (cited by 3 submitters); PubMed 16272798 (cited by 3 submitters); PubMed 16980811 (cited by Labcorp Genetics (formerly Invitae), Labcorp and Women's Health and Genetics/Laboratory Corporation of America, LabCorp); PubMed 21520337 (cited by 4 submitters); PubMed 23276700 (cited by Labcorp Genetics (formerly Invitae), Labcorp and Women's Health and Genetics/Laboratory Corporation of America, LabCorp); PubMed 10875853 (cited by 3 submitters); PubMed 33572515 (cited by Johns Hopkins Genomics, Johns Hopkins University); PubMed 38388235 (cited by Johns Hopkins Genomics, Johns Hopkins University); PubMed 9254864 (cited by 4 submitters); PubMed 17329263 (cited by 3 submitters); PubMed 33374015 (cited by Ambry Genetics and Mayo Clinic Laboratories, Mayo Clinic); PubMed 15948195 (cited by Mayo Clinic Laboratories, Mayo Clinic and Women's Health and Genetics/Laboratory Corporation of America, LabCorp); PubMed 20021716 (cited by Mayo Clinic Laboratories, Mayo Clinic and Women's Health and Genetics/Laboratory Corporation of America, LabCorp); PubMed 20100616 (cited by Mayo Clinic Laboratories, Mayo Clinic and Women's Health and Genetics/Laboratory Corporation of America, LabCorp); PubMed 31005549 (cited by Mayo Clinic Laboratories, Mayo Clinic and Women's Health and Genetics/Laboratory Corporation of America, LabCorp); PubMed 17975025 (cited by Women's Health and Genetics/Laboratory Corporation of America, LabCorp); PubMed 9521595 (cited by Women's Health and Genetics/Laboratory Corporation of America, LabCorp); PubMed 18456578 (cited by Women's Health and Genetics/Laboratory Corporation of America, LabCorp); PubMed 26847993 (cited by Women's Health and Genetics/Laboratory Corporation of America, LabCorp); PubMed 19914443 (cited by Women's Health and Genetics/Laboratory Corporation of America, LabCorp); PubMed 16617247 (cited by Women's Health and Genetics/Laboratory Corporation of America, LabCorp); PubMed 32003480 (cited by Women's Health and Genetics/Laboratory Corporation of America, LabCorp).